The following is an entry in ClinVar:

NM_000091.5(COL4A3):c.3518-3C>G

Genes: COL4A3 (collagen type IV alpha 3 chain; plus strand), MFF-DT (MFF divergent transcript; minus strand). Cytogenetic location: 2q36.3.
Variant type: single nucleotide variant.
Coding change: c.3518-3C>G on transcript NM_000091.5 (MANE Select); 3 bases into the intron before coding-DNA position 3518, C replaced by G.
Molecular consequence: intron variant.
Genome position (GRCh38, 1-based): chr2:227,295,266, C>G. VCF-style: chr2-227295266-C-G. GRCh37 (hg19) VCF-style: chr2-228159982-C-G.
Identifiers: ClinVar variation 3649367 (VCV003649367.2).

ClinVar aggregate classification (germline): Uncertain significance (1 of 4 stars; one submission).

Submission:

Labcorp Genetics (formerly Invitae), Labcorp
Classification: Uncertain significance. Last evaluated: 2024-04-09. Review status: criteria provided, single submitter. Criteria: Invitae Variant Classification Sherloc (09022015). Collection method: clinical testing. Allele origin: germline.
Comment: This sequence change falls in intron 40 of the COL4A3 gene. It does not directly change the encoded amino acid sequence of the COL4A3 protein. It affects a nucleotide within the consensus splice site. This variant is not present in population databases (gnomAD no frequency). This variant has been observed in individual(s) with Alport syndrome (Invitae). Variants that disrupt the consensus splice site are a relatively common cause of aberrant splicing (PMID: 17576681, 9536098). Algorithms developed to predict the effect of sequence changes on RNA splicing suggest that this variant may disrupt the consensus splice site. In summary, the available evidence is currently insufficient to determine the role of this variant in disease. Therefore, it has been classified as a Variant of Uncertain Significance.

Literature cited by the submitters: PubMed 17576681; PubMed 9536098.